The following is an entry in ClinVar:

ClinVar aggregate classification (germline): Likely benign. Review status: criteria provided, multiple submitters, no conflicts (2 of 4 stars). 2 submissions from 2 submitters: Likely benign (2). Last evaluated 2026-01-12.

Conditions:
Spastic paraplegia. Identifiers: MedGen C0037772, HP:0001258.

Allele frequency attached by ClinVar (database versions not stated): ESP Exome Variant Server 0.00008; 1000 Genomes Project 0.00020; TOPMed 0.00025; gnomAD exomes 0.00028 and 0.00040; 1000 Genomes Project 30x 0.00031; gnomAD 0.00032 and 0.00033; ExAC 0.00040.
gnomAD v4.1: 625 of 1,613,618 alleles (0.039%); highest among the groups gnomAD compares: Non-Finnish European, 0.051%; no homozygotes.

Submissions (2):

Labcorp Genetics (formerly Invitae), Labcorp
Classification: Likely benign for Spastic paraplegia. Last evaluated: 2026-01-12. Review status: criteria provided, single submitter. Criteria: Invitae Variant Classification Sherloc (09022015). Collection method: clinical testing. Allele origin: germline.

CeGaT Center for Human Genetics Tuebingen
Classification: Likely benign. Last evaluated: 2023-01-01. Review status: criteria provided, single submitter. Criteria: CeGaT Center For Human Genetics Tuebingen Variant Classification Criteria Version 2. Collection method: clinical testing. Allele origin: germline. Affected: yes. Observed: 1 variant allele.
Comment: ARSI: BP4, BP7

NM_001012301.4(ARSI):c.231G>T (p.Leu77=)

Gene: ARSI (arylsulfatase family member I; minus strand). Cytogenetic location: 5q32.
Variant type: single nucleotide variant.
Coding change: c.231G>T on transcript NM_001012301.4 (MANE Select); coding-DNA position 231, G replaced by T.
Protein change: p.Leu77=; no amino-acid change (leucine 77 retained).
Molecular consequence: synonymous variant.
Genome position (GRCh38, 1-based): chr5:150,302,143, C>A on the plus strand (G>T on the coding strand, the complement: ARSI is on the minus strand). VCF-style: chr5-150302143-C-A. GRCh37 (hg19) VCF-style: chr5-149681706-C-A.
Identifiers: ClinVar variation 705743 (VCV000705743.34), dbSNP rs143586885, ClinGen allele CA3510384.